The following is an entry in ClinVar:

ClinVar aggregate classification (germline): Conflicting classifications of pathogenicity. Review status: criteria provided, conflicting classifications (1 of 4 stars). 6 submissions from 6 submitters: Uncertain significance (1); Benign (1); Likely benign (3). 1 of the submissions does not count toward it. Last evaluated 2024-11-11.

Conditions:
Gorlin syndrome. Also called: Basal cell nevus syndrome; Nevoid Basal Cell Carcinoma Syndrome. Identifiers: Orphanet 377, MedGen C0004779, MONDO:0007187.
PTCH1-related disorder. Also called: PTCH1-related disorders; PTCH1-related condition.
Basal cell carcinoma, susceptibility to, 1. Also called: BCC1. Identifiers: MedGen C2751544, MONDO:0011556, OMIM 605462.
Basal cell nevus syndrome 1 (BCNS1). Also called: GORLIN-GOLTZ SYNDROME; MULTIPLE BASAL CELL NEVI, ODONTOGENIC KERATOCYSTS, AND SKELETAL ANOMALIES. Identifiers: MedGen CN376810, MONDO:0958174, OMIM 109400.
Holoprosencephaly 7 (HPE7). Identifiers: Orphanet 2162, MedGen C1835820, MONDO:0012562, OMIM 610828.
Hereditary cancer-predisposing syndrome. Also called: Tumor predisposition; Neoplastic Syndromes, Hereditary; Hereditary neoplastic syndrome; Hereditary Cancer Syndrome. Identifiers: Orphanet 140162, MedGen C0027672, MeSH D009386, MONDO:0015356.

Submissions (6):

Blueprint Genetics
Classification: Likely benign. Last evaluated: 2024-11-11. Review status: criteria provided, single submitter. Criteria: ACMG Guidelines, 2015. Collection method: clinical testing. Allele origin: germline.

Department of Pathology and Laboratory Medicine, Sinai Health System
Classification: Likely benign for Basal cell nevus syndrome 1; Basal cell carcinoma, susceptibility to, 1; Holoprosencephaly 7. Last evaluated: 2024-08-20. Review status: criteria provided, single submitter. Criteria: ACMG Guidelines, 2015. Collection method: clinical testing. Allele origin: germline. Affected: yes.

Labcorp Genetics (formerly Invitae), Labcorp
Classification: Likely benign for Gorlin syndrome. Last evaluated: 2023-09-29. Review status: criteria provided, single submitter. Criteria: Invitae Variant Classification Sherloc (09022015). Collection method: clinical testing. Allele origin: germline.

Ambry Genetics
Classification: Benign for Hereditary cancer-predisposing syndrome. Last evaluated: 2021-04-26. Review status: criteria provided, single submitter. Criteria: Ambry Variant Classification Scheme 2023. Collection method: clinical testing. Allele origin: germline.

Mendelics
Classification: Uncertain significance for Basal cell nevus syndrome 1. Last evaluated: 2019-05-28. Review status: criteria provided, single submitter. Criteria: Mendelics Assertion Criteria 2017. Collection method: clinical testing. Allele origin: unknown.

PreventionGenetics, part of Exact Sciences
Classification: Likely benign for PTCH1-related condition. Last evaluated: 2019-12-04. Review status: no assertion criteria provided. Collection method: clinical testing. Allele origin: germline. Not counted in ClinVar's aggregate classification.
Comment: This variant is classified as likely benign based on ACMG/AMP sequence variant interpretation guidelines (Richards et al. 2015 PMID: 25741868, with internal and published modifications).

NM_000264.5(PTCH1):c.40GGC[3] (p.Gly17del)

Genes: PTCH1 (patched 1; minus strand), LOC130002133 (ATAC-STARR-seq lymphoblastoid silent region 20071; plus strand). Cytogenetic location: 9q22.32.
Variant type: Microsatellite.
Coding change: c.40GGC[3] on transcript NM_000264.5 (MANE Select); three copies in a row of the 3-base unit GGC starting at c.40; the reference has four copies in a row; one copy, 3 bases deleted.
Protein change: p.Gly17del; deletes glycine 17.
Molecular consequence: inframe deletion. On other transcripts: non-coding transcript variant (1), intron variant (3).
Genome position (GRCh38, 1-based): chr9:95,508,311-95,508,313, GCC deleted on the plus strand (GGC on the coding strand, the reverse complement: PTCH1 is on the minus strand); deleting any 3 consecutive bases within chr9:95,508,311-95,508,324 gives the same sequence; the position shown is the placement nearest the transcript's 3' end. VCF-style (leftmost placement, unchanged base first): chr9-95508310-TGCC-T. GRCh37 (hg19) VCF-style: chr9-98270592-TGCC-T.
Other names: c.40GGC[3], p.Gly17del (NM_001354918.2); c.199-1723GGC[3] (NM_001083603.3); c.4-1723GGC[3] (NM_001083602.3, NM_001354919.2); short protein forms G17del.
Identifiers: ClinVar variation 802503 (VCV000802503.10), dbSNP rs756897237, ClinGen allele CA5139067.
Genomic context (GRCh38, chr9:95,508,310, plus strand): 5'-CCCCCGTCCGTCTGCGCCTCCCGCCTCCAGCCGGCCGTCCCGGGGCACCGATACAGCCGC[TGCC>T]GCCGCCGCCGCGGTCCTGGGGCTCGGCGGCGTTACCAGCCGAGGCCATGTTGCCGCCGCC-3'